The following is an entry in ClinVar:

ClinVar aggregate classification (germline): Benign/Likely benign. Review status: criteria provided, multiple submitters, no conflicts (2 of 4 stars). 4 submissions from 4 submitters: Benign (1); Likely benign (3). Last evaluated 2026-07-01.

Conditions:
Inborn genetic diseases. Identifiers: MedGen C0950123, MeSH D030342.

Allele frequency attached by ClinVar (database versions not stated): ExAC 0.00003; gnomAD 0.00003; TOPMed 0.00003.
gnomAD v4.1: 142 of 1,608,714 alleles (0.0088%); highest among the groups gnomAD compares: Middle Eastern, 0.016%; no homozygotes.

Submissions (4):

CeGaT Center for Human Genetics Tuebingen
Classification: Likely benign. Last evaluated: 2026-07-01. Review status: criteria provided, single submitter. Criteria: CeGaT Center For Human Genetics Tuebingen Variant Classification Criteria Version 2. Collection method: clinical testing. Allele origin: germline. Affected: yes. Observed: 1 variant allele.
Comment: ARID1B: BP4, BP7

Labcorp Genetics (formerly Invitae), Labcorp
Classification: Benign. Last evaluated: 2025-10-23. Review status: criteria provided, single submitter. Criteria: Invitae Variant Classification Sherloc (09022015). Collection method: clinical testing. Allele origin: germline.

Blueprint Genetics
Classification: Likely benign. Last evaluated: 2022-08-17. Review status: criteria provided, single submitter. Criteria: ACMG Guidelines, 2015. Collection method: clinical testing. Allele origin: germline.

Ambry Genetics
Classification: Likely benign for Inborn genetic diseases. Last evaluated: 2018-06-21. Review status: criteria provided, single submitter. Criteria: Ambry Variant Classification Scheme 2023. Collection method: clinical testing. Allele origin: germline.

NM_001374828.1(ARID1B):c.3213C>T (p.Pro1071=)

Gene: ARID1B (AT-rich interaction domain 1B; plus strand). Cytogenetic location: 6q25.3.
Variant type: single nucleotide variant.
Coding change: c.3213C>T on transcript NM_001374828.1 (MANE Select); coding-DNA position 3213, C replaced by T.
Protein change: p.Pro1071=; no amino-acid change (proline 1071 retained).
Molecular consequence: synonymous variant.
Genome position (GRCh38, 1-based): chr6:157,167,163, C>T. VCF-style: chr6-157167163-C-T. GRCh37 (hg19) VCF-style: chr6-157488297-C-T.
Other names: c.2964C>T, p.Pro988= (NM_001346813.1); c.714C>T, p.Pro238= (NM_001363725.2); c.3252C>T, p.Pro1084= (NM_001371656.1, NM_001374820.1); c.3213C>T, p.Pro1071= (NM_017519.3); c.3003C>T, p.Pro1001= (NM_020732.3); c.2790C>T, p.Pro930= (NM_175863.2).
Identifiers: ClinVar variation 1798718 (VCV001798718.9), dbSNP rs765720893, ClinGen allele CA4067231.